The following is an entry in ClinVar:

ClinVar aggregate classification (germline): Uncertain significance (1 of 4 stars; one submission).

Allele frequency attached by ClinVar (database versions not stated): gnomAD 0.00005; TOPMed 0.00009.
gnomAD v4.1: 39 of 1,612,448 alleles (0.0024%); highest among the groups gnomAD compares: African/African-American, 0.02%; no homozygotes.

Submission:

Labcorp Genetics (formerly Invitae), Labcorp
Classification: Uncertain significance. Last evaluated: 2024-01-13. Review status: criteria provided, single submitter. Criteria: Invitae Variant Classification Sherloc (09022015). Collection method: clinical testing. Allele origin: germline.
Comment: This sequence change replaces alanine, which is neutral and non-polar, with threonine, which is neutral and polar, at codon 973 of the FBN3 protein (p.Ala973Thr). This variant is present in population databases (rs760891992, gnomAD 0.01%). This variant has not been reported in the literature in individuals affected with FBN3-related conditions. Advanced modeling of protein sequence and biophysical properties (such as structural, functional, and spatial information, amino acid conservation, physicochemical variation, residue mobility, and thermodynamic stability) performed at Invitae indicates that this missense variant is not expected to disrupt FBN3 protein function with a negative predictive value of 80%. In summary, the available evidence is currently insufficient to determine the role of this variant in disease. Therefore, it has been classified as a Variant of Uncertain Significance.

NM_032447.5(FBN3):c.2917G>A (p.Ala973Thr)

Gene: FBN3 (fibrillin 3; minus strand). Cytogenetic location: 19p13.2.
Variant type: single nucleotide variant.
Coding change: c.2917G>A on transcript NM_032447.5 (MANE Select); coding-DNA position 2917, G replaced by A.
Protein change: p.Ala973Thr; replaces alanine 973 with threonine.
Molecular consequence: missense variant.
Genome position (GRCh38, 1-based): chr19:8,123,823, C>T on the plus strand (G>A on the coding strand, the complement: FBN3 is on the minus strand). VCF-style: chr19-8123823-C-T. GRCh37 (hg19) VCF-style: chr19-8188707-C-T.
Other names: c.2917G>A, p.Ala973Thr (NM_001321431.2); short protein forms A973T.
Identifiers: ClinVar variation 2723041 (VCV002723041.3), dbSNP rs760891992, ClinGen allele CA9152674.